The following is an entry in ClinVar:

NM_001606.5(ABCA2):c.3173C>T (p.Thr1058Met)

Gene: ABCA2 (ATP binding cassette subfamily A member 2; minus strand). Cytogenetic location: 9q34.3.
Variant type: single nucleotide variant.
Coding change: c.3173C>T on transcript NM_001606.5 (MANE Select); coding-DNA position 3173, C replaced by T.
Protein change: p.Thr1058Met; replaces threonine 1058 with methionine.
Molecular consequence: missense variant.
Genome position (GRCh38, 1-based): chr9:137,016,106, G>A on the plus strand (C>T on the coding strand, the complement: ABCA2 is on the minus strand). VCF-style: chr9-137016106-G-A. GRCh37 (hg19) VCF-style: chr9-139910558-G-A.
Other names: c.3263C>T (NM_212533.2); c.3170C>T, p.Thr1057Met (NM_001411042.1); c.3263C>T, p.Thr1088Met (NM_212533.3); short protein forms T1057M, T1058M, T1088M.
Identifiers: ClinVar variation 2200727 (VCV002200727.8), dbSNP rs376153765, ClinGen allele CA5354851.

ClinVar aggregate classification (germline): Uncertain significance. Review status: criteria provided, multiple submitters, no conflicts (2 of 4 stars). 4 submissions from 4 submitters: Uncertain significance (4). Last evaluated 2026-10-22.

Allele frequency attached by ClinVar (database versions not stated): gnomAD 0.00001; TOPMed 0.00007; ExAC 0.00008; gnomAD exomes 0.00003.

Submissions (4):

GeneDx
Classification: Uncertain significance. Last evaluated: 2026-10-22. Review status: criteria provided, single submitter. Criteria: GeneDx Variant Classification Process June 2021. Collection method: clinical testing. Allele origin: germline.
Comment: In silico analysis supports that this missense variant has a deleterious effect on protein structure/function; Has not been previously published as pathogenic or benign to our knowledge

Blueprint Genetics
Classification: Uncertain significance. Last evaluated: 2024-08-22. Review status: criteria provided, single submitter. Criteria: ACMG Guidelines, 2015. Collection method: clinical testing. Allele origin: germline.

Ambry Genetics
Classification: Uncertain significance. Last evaluated: 2023-12-08. Review status: criteria provided, single submitter. Criteria: Ambry Variant Classification Scheme 2023. Collection method: clinical testing. Allele origin: germline.

Labcorp Genetics (formerly Invitae), Labcorp
Classification: Uncertain significance. Last evaluated: 2022-07-26. Review status: criteria provided, single submitter. Criteria: Invitae Variant Classification Sherloc (09022015). Collection method: clinical testing. Allele origin: germline.
Comment: This sequence change replaces threonine, which is neutral and polar, with methionine, which is neutral and non-polar, at codon 1088 of the ABCA2 protein (p.Thr1088Met). This variant is present in population databases (rs376153765, gnomAD 0.06%). This variant has not been reported in the literature in individuals affected with ABCA2-related conditions. Algorithms developed to predict the effect of missense changes on protein structure and function are either unavailable or do not agree on the potential impact of this missense change (SIFT: "Deleterious"; PolyPhen-2: "Not Available"; Align-GVGD: "Class C15"). In summary, the available evidence is currently insufficient to determine the role of this variant in disease. Therefore, it has been classified as a Variant of Uncertain Significance.